The following is an entry in ClinVar:

NM_015512.5(DNAH1):c.6851C>T (p.Pro2284Leu)

Gene: DNAH1 (dynein axonemal heavy chain 1; plus strand). Cytogenetic location: 3p21.1.
Variant type: single nucleotide variant.
Coding change: c.6851C>T on transcript NM_015512.5 (MANE Select); coding-DNA position 6851, C replaced by T.
Protein change: p.Pro2284Leu; replaces proline 2284 with leucine.
Molecular consequence: missense variant.
Genome position (GRCh38, 1-based): chr3:52,372,919, C>T. VCF-style: chr3-52372919-C-T. GRCh37 (hg19) VCF-style: chr3-52406935-C-T.
Other names: c.6851C>T (NM_015512.4); short protein forms P2284L.
Identifiers: ClinVar variation 2174898 (VCV002174898.3), dbSNP rs767342710, ClinGen allele CA2434666.

ClinVar aggregate classification (germline): Uncertain significance. Review status: criteria provided, multiple submitters, no conflicts (2 of 4 stars). 2 submissions from 2 submitters: Uncertain significance (2). Last evaluated 2024-11-11.

Conditions:
Primary ciliary dyskinesia. Also called: Ciliary dyskinesia. Identifiers: Orphanet 244, MedGen C0008780, MONDO:0016575, HP:0012265.
Spermatogenic failure 18. Identifiers: MedGen C4539783, MONDO:0054615, OMIM 617576.
Ciliary dyskinesia, primary, 37 (CILD37). Also called: CILIARY DYSKINESIA, PRIMARY, 37, WITH OR WITHOUT SITUS INVERSUS. Identifiers: MedGen C4539798, MONDO:0033204, OMIM 617577.

Allele frequency attached by ClinVar (database versions not stated): ExAC 0.00001; gnomAD exomes 0.00001; gnomAD 0.00002; TOPMed 0.00002.
gnomAD v4.1: 17 of 1,613,514 alleles (0.0011%); highest among the groups gnomAD compares: Non-Finnish European, 0.0014%; no homozygotes.

Submissions (2):

Labcorp Genetics (formerly Invitae), Labcorp
Classification: Uncertain significance for Ciliary dyskinesia, primary, 37; Spermatogenic failure 18. Last evaluated: 2024-11-11. Review status: criteria provided, single submitter. Criteria: Invitae Variant Classification Sherloc (09022015). Collection method: clinical testing. Allele origin: germline.
Comment: This sequence change replaces proline, which is neutral and non-polar, with leucine, which is neutral and non-polar, at codon 2284 of the DNAH1 protein (p.Pro2284Leu). This variant is present in population databases (rs767342710, gnomAD 0.002%). This variant has not been reported in the literature in individuals affected with DNAH1-related conditions. ClinVar contains an entry for this variant (Variation ID: 2174898). Invitae Evidence Modeling of protein sequence and biophysical properties (such as structural, functional, and spatial information, amino acid conservation, physicochemical variation, residue mobility, and thermodynamic stability) indicates that this missense variant is not expected to disrupt DNAH1 protein function with a negative predictive value of 80%. In summary, the available evidence is currently insufficient to determine the role of this variant in disease. Therefore, it has been classified as a Variant of Uncertain Significance.

Molecular Genetics McLendon Clinical Laboratories, University of North Carolina at Chapel Hill
Classification: Uncertain significance for Primary ciliary dyskinesia. Last evaluated: 2024-10-24. Review status: criteria provided, single submitter. Criteria: ACMG Guidelines, 2015. Collection method: clinical testing. Allele origin: germline.